The following is an entry in ClinVar:

ClinVar aggregate classification (germline): Benign/Likely benign. Review status: criteria provided, multiple submitters, no conflicts (2 of 4 stars). 3 submissions from 3 submitters: Benign (1); Likely benign (2). Last evaluated 2024-10-01.

Allele frequency attached by ClinVar (database versions not stated): TOPMed 0.00022; gnomAD exomes 0.00023 and 0.00038; ESP Exome Variant Server 0.00025; ExAC 0.00029; gnomAD 0.00031.
gnomAD v4.1: 579 of 1,609,214 alleles (0.036%); highest among the groups gnomAD compares: Non-Finnish European, 0.046%; no homozygotes.

Submissions (3):

Blueprint Genetics
Classification: Likely benign. Last evaluated: 2024-10-01. Review status: criteria provided, single submitter. Criteria: ACMG Guidelines, 2015. Collection method: clinical testing. Allele origin: germline.

CeGaT Center for Human Genetics Tuebingen
Classification: Likely benign. Last evaluated: 2024-09-01. Review status: criteria provided, single submitter. Criteria: CeGaT Center For Human Genetics Tuebingen Variant Classification Criteria Version 2. Collection method: clinical testing. Allele origin: germline. Affected: yes. Observed: 1 variant allele.
Comment: ASXL3: BP4, BP7

GeneDx
Classification: Benign. Last evaluated: 2019-05-06. Review status: criteria provided, single submitter. Criteria: GeneDx Variant Classification Process June 2021. Collection method: clinical testing. Allele origin: germline. Affected: yes.

NM_030632.3(ASXL3):c.4752T>C (p.Arg1584=)

Gene: ASXL3 (ASXL transcriptional regulator 3; plus strand). Cytogenetic location: 18q12.1.
Variant type: single nucleotide variant.
Coding change: c.4752T>C on transcript NM_030632.3 (MANE Select); coding-DNA position 4752, T replaced by C.
Protein change: p.Arg1584=; no amino-acid change (arginine 1584 retained).
Molecular consequence: synonymous variant.
Genome position (GRCh38, 1-based): chr18:33,744,600, T>C. VCF-style: chr18-33744600-T-C. GRCh37 (hg19) VCF-style: chr18-31324564-T-C.
Identifiers: ClinVar variation 1241785 (VCV001241785.17), dbSNP rs375335628, ClinGen allele CA8934327.